The following is an entry in ClinVar:

NM_004655.4(AXIN2):c.391G>A (p.Ala131Thr)

Gene: AXIN2 (axin 2; minus strand). Cytogenetic location: 17q24.1.
Variant type: single nucleotide variant.
Coding change: c.391G>A on transcript NM_004655.4 (MANE Select); coding-DNA position 391, G replaced by A.
Protein change: p.Ala131Thr; replaces alanine 131 with threonine.
Molecular consequence: missense variant.
Genome position (GRCh38, 1-based): chr17:65,558,230, C>T on the plus strand (G>A on the coding strand, the complement: AXIN2 is on the minus strand). VCF-style: chr17-65558230-C-T. GRCh37 (hg19) VCF-style: chr17-63554348-C-T.
Other names: c.391G>A, p.Ala131Thr (NM_001363813.1); short protein forms A131T.
Identifiers: ClinVar variation 3814430 (VCV003814430.1).

ClinVar aggregate classification (germline): Uncertain significance (1 of 4 stars; one submission).

Conditions:
Hereditary cancer-predisposing syndrome. Also called: Hereditary neoplastic syndrome; Neoplastic Syndromes, Hereditary; Tumor predisposition; Hereditary Cancer Syndrome. Identifiers: Orphanet 140162, MedGen C0027672, MeSH D009386, MONDO:0015356.

Submission:

Ambry Genetics
Classification: Uncertain significance for Hereditary cancer-predisposing syndrome. Last evaluated: 2025-01-14. Review status: criteria provided, single submitter. Criteria: Ambry Variant Classification Scheme 2023. Collection method: clinical testing. Allele origin: germline.
Comment: The p.A131T variant (also known as c.391G>A), located in coding exon 1 of the AXIN2 gene, results from a G to A substitution at nucleotide position 391. The alanine at codon 131 is replaced by threonine, an amino acid with similar properties. This amino acid position is conserved. In addition, the in silico prediction for this alteration is inconclusive. Based on the available evidence, the clinical significance of this variant remains unclear.